The following is an entry in ClinVar:

NM_003477.3(PDHX):c.161G>A (p.Gly54Asp)

Gene: PDHX (pyruvate dehydrogenase complex component X; plus strand). Cytogenetic location: 11p13.
Variant type: single nucleotide variant.
Coding change: c.161G>A on transcript NM_003477.3 (MANE Select); coding-DNA position 161, G replaced by A.
Protein change: p.Gly54Asp; replaces glycine 54 with aspartic acid.
Molecular consequence: missense variant. On other transcripts: 5 prime UTR variant (1).
Genome position (GRCh38, 1-based): chr11:34,931,404, G>A. VCF-style: chr11-34931404-G-A. GRCh37 (hg19) VCF-style: chr11-34952951-G-A.
Other names: c.-20G>A (NM_001135024.2); c.161G>A, p.Gly54Asp (NM_001166158.2); short protein forms G54D.
Identifiers: ClinVar variation 4993781 (VCV004993781.1).

ClinVar aggregate classification (germline): Uncertain significance (1 of 4 stars; one submission).

Conditions:
PDHX-related disorder. Also called: PDHX-related condition.

gnomAD v4.1: 2 of 1,567,118 alleles (0.00013%); highest among the groups gnomAD compares: South Asian, 0.0022%; no homozygotes.

Submission:

PreventionGenetics, part of Exact Sciences
Classification: Uncertain significance for PDHX-related condition. Last evaluated: 2026-03-21. Review status: criteria provided, single submitter. Criteria: ACMG Guidelines, 2015. Collection method: clinical testing. Allele origin: germline.
Comment: The PDHX c.161G>A variant is predicted to result in the amino acid substitution p.Gly54Asp. To our knowledge, this variant has not been reported in the literature. This variant is reported in 0.0033% of alleles in individuals of South Asian descent in gnomAD. At this time, the clinical significance of this variant is uncertain due to the absence of conclusive functional and genetic evidence.